The following is an entry in ClinVar:

NM_000045.4(ARG1):c.466-1G>C

Genes: ARG1 (arginase 1; plus strand), MED23 (mediator complex subunit 23; minus strand). Cytogenetic location: 6q23.2.
Variant type: single nucleotide variant.
Coding change: c.466-1G>C on transcript NM_000045.4 (MANE Select); the canonical splice acceptor site of the intron before coding-DNA position 466, G replaced by C.
Molecular consequence: splice acceptor variant. On other transcripts: intron variant (3).
Genome position (GRCh38, 1-based): chr6:131,582,620, G>C. VCF-style: chr6-131582620-G-C. GRCh37 (hg19) VCF-style: chr6-131903760-G-C.
Other names: c.490-1G>C (NM_001244438.1, NM_001244438.2); c.306-440G>C (NM_001369020.1); c.4077+5089C>G (NM_001270521.2); c.4095+5089C>G (NM_015979.4).
Identifiers: ClinVar variation 419876 (VCV000419876.26), dbSNP rs1064794165, ClinGen allele CA16618244.

ClinVar aggregate classification (germline): Pathogenic. Review status: criteria provided, multiple submitters, no conflicts (2 of 4 stars). 10 submissions from 10 submitters: Pathogenic (10). Last evaluated 2026-06-23.

Conditions:
ARG1-related disorder. Also called: ARG1-related condition.
Arginase deficiency. Also called: ARG1 DEFICIENCY; Arginase 1 Deficiency; ARGININEMIA. Identifiers: Orphanet 90, MedGen C0268548, MONDO:0008814, OMIM 207800.

Allele frequency attached by ClinVar (database versions not stated): TOPMed 0.00002; gnomAD 0.00001; gnomAD exomes 0.00002 and 0.00003.
gnomAD v4.1: 13 of 1,612,280 alleles (0.00081%); highest among the groups gnomAD compares: Admixed American, 0.022%; no homozygotes.

Submissions (10):

Centrogen, Centro de Genomica y Genetica Clinica Guatemala
Classification: Pathogenic for Arginase deficiency. Last evaluated: 2026-06-23. Review status: criteria provided, single submitter. Criteria: CENTROGEN Variant Classification V1 Aug 2026. Collection method: provider interpretation. Allele origin: biparental, unknown. Affected: yes. Observed: 2 variant alleles, 1 compound heterozygote, 1 homozygote. Segregation with disease not observed.
Comment: NM_000045.4:c.466-1G>C abolishes the canonical splice acceptor site immediately preceding the exon that begins at c.466. Variants at the -1 position of a canonical acceptor site are null variants, and loss of arginase 1 function is the established mechanism of disease for arginase deficiency; PVS1 was retained at very strong strength under the Abou Tayoun (2018) decision tree specified in Centrogen's criteria. Centrogen has observed this allele in two apparently unrelated Guatemalan probands with arginase deficiency; in a rare disorder, this count of unrelated affected probands supports PS4 at moderate strength. It is absent from gnomAD; Centrogen fixes PM2 at supporting strength following the ClinGen SVI recommendation. Together these observations support PM3 at strong strength. Both probands show sustained hyperargininemia with episodic hyperammonemia, a diagnostic finding specific to arginase 1 deficiency, which supports PP4 at moderate strength under Centrogen's criteria. The observed features are provided as HPO terms in the case-level data of this submission. The recurrence of this allele in two apparently unrelated Guatemalan families raises the possibility of a regional founder allele. Classification follows the ACMG/AMP point scale of Tavtigian (2020) with ClinGen SVI specifications, as described in Centrogen's assertion criteria document, where 10 points or more corresponds to pathogenic. Evidence applied: PVS1 (+8), PS3_Moderate (+2), PS4_Moderate (+2), PM2 (+1), PM3_Strong (+4), PP4_Moderate (+2). Total 19 points. Classified as pathogenic. Note: This variant was found in clinical genetic testing performed by one or more labs who may also submit to ClinVar. Therefore, any internal case data may overlap with the internal case data of other submitters. The classification and rationale are that of Centrogen, Centro de Genomica y Genetica Clinica Guatemala.

CeGaT Center for Human Genetics Tuebingen
Classification: Pathogenic. Last evaluated: 2026-06-01. Review status: criteria provided, single submitter. Criteria: CeGaT Center For Human Genetics Tuebingen Variant Classification Criteria Version 2. Collection method: clinical testing. Allele origin: germline. Affected: yes. Observed: 1 variant allele.
Comment: ARG1: PM3:Very Strong, PVS1, PM2

Labcorp Genetics (formerly Invitae), Labcorp
Classification: Pathogenic for Arginase deficiency. Last evaluated: 2026-01-21. Review status: criteria provided, single submitter. Criteria: Invitae Variant Classification Sherloc (09022015). Collection method: clinical testing. Allele origin: germline.
Comment: This sequence change affects an acceptor splice site in intron 4 of the ARG1 gene. It is expected to disrupt RNA splicing. Variants that disrupt the donor or acceptor splice site typically lead to a loss of protein function (PMID: 16199547), and loss-of-function variants in ARG1 are known to be pathogenic (PMID: 7649538, 12052859). This variant is present in population databases (no rsID available, gnomAD 0.03%). Disruption of this splice site has been observed in individual(s) with clinical features of ARG1-related conditions (PMID: 21802329, 26169240). ClinVar contains an entry for this variant (Variation ID: 419876). Studies have shown that disruption of this splice site alters ARG1 gene expression (PMID: 26169240). Algorithms developed to predict the effect of sequence changes on RNA splicing suggest that this variant may disrupt the consensus splice site. For these reasons, this variant has been classified as Pathogenic.

PreventionGenetics, part of Exact Sciences
Classification: Pathogenic for ARG1-related condition. Last evaluated: 2024-12-13. Review status: criteria provided, single submitter. Criteria: ACMG Guidelines, 2015. Collection method: clinical testing. Allele origin: germline.
Comment: The ARG1 c.466-1G>C variant is predicted to disrupt the AG splice acceptor site and interfere with normal splicing. This variant has been reported in the homozygous or compound heterozygous state in individuals with arginase deficiency (Patient 6, Table 1, Jain-Ghai et al. 2011. PubMed ID: 21802329, referred to as IVS4/c.490-1G>C, Villegas-Ruiz et al. 2015. PubMed ID: 26169240; Huemer et al. 2016. PubMed ID: 27038030). This variant is reported in 0.023% of alleles in individuals of Latino descent in gnomAD. Studies have shown that disruption of this splice site alters ARG1 gene expression (Villegas-Ruiz et al. 2015. PubMed ID: 26169240). This variant is interpreted as pathogenic.

Fulgent Genetics
Classification: Pathogenic for Arginase deficiency. Last evaluated: 2024-03-24. Review status: criteria provided, single submitter. Criteria: ACMG Guidelines, 2015. Collection method: clinical testing. Allele origin: germline.

Baylor Genetics
Classification: Pathogenic for Arginase deficiency. Last evaluated: 2024-02-13. Review status: criteria provided, single submitter. Criteria: ACMG Guidelines, 2015. Collection method: clinical testing. Allele origin: unknown.

3billion
Classification: Pathogenic for Arginase deficiency. Last evaluated: 2023-09-04. Review status: criteria provided, single submitter. Criteria: ACMG Guidelines, 2015. Collection method: clinical testing. Allele origin: germline. Affected: yes.
Comment: The variant is observed at an extremely low frequency in the gnomAD v2.1.1 dataset (total allele frequency: 0.003%). Predicted Consequence/Location: Canonical splice site: predicted to alter splicing and result in a loss or disruption of normal protein function. Multiple pathogenic loss-of-function variants are reported downstream of the variant. The variant has been reported at least twice as pathogenic with clinical assertions and evidence for the classification (ClinVar ID: VCV000419876 /PMID: 21802329). Therefore, this variant is classified as Pathogenic according to the recommendation of ACMG/AMP guideline.

GeneDx
Classification: Pathogenic. Last evaluated: 2022-07-01. Review status: criteria provided, single submitter. Criteria: GeneDx Variant Classification Process June 2021. Collection method: clinical testing. Allele origin: germline. Affected: yes.
Comment: Canonical splice site variant in a gene for which loss-of-function is a known mechanism of disease; Published functional studies demonstrate that this variant leads to an aberrant transcript retaining intronic sequences (Villegas-Ruiz et al., 2015); This variant is associated with the following publications: (PMID: 27038030, 21802329, 26169240, 26467175, 29726057, 32778825)

Myriad Genetics, Inc.
Classification: Pathogenic for Arginase deficiency. Last evaluated: 2021-11-01. Review status: criteria provided, single submitter. Criteria: Myriad Women's Health Autosomal Recessive and X-Linked Classification Criteria (2021). Collection method: clinical testing. Allele origin: unknown.
Comment: NM_000045.3(ARG1):c.466-1G>C is a canonical splice variant classified as pathogenic in the context of argininemia. c.466-1G>C has been observed in cases with relevant disease (PMID: 27038030, 26169240, 21802329). Functional assessments of this variant are available in the literature (PMID: 26169240). c.466-1G>C has been observed in population frequency databases (gnomAD: AMR 0.02%). In summary, NM_000045.3(ARG1):c.466-1G>C is a canonical splice variant in a gene where loss of function is a known mechanism of disease, is predicted to disrupt protein function, and has been observed more frequently in cases with the relevant disease than in healthy populations. Please note: this variant was assessed in the context of healthy population screening.

CENTOGENE GmbH and LLC - Guiding Precision Medicine
Classification: Pathogenic for Arginase deficiency. Last evaluated: 2021-06-25. Review status: criteria provided, single submitter. Criteria: ACMG Guidelines, 2015. Collection method: clinical testing. Allele origin: paternal. Affected: yes.

Literature cited by the submitters: PubMed 16199547 (cited by Labcorp Genetics (formerly Invitae), Labcorp); PubMed 7649538 (cited by Labcorp Genetics (formerly Invitae), Labcorp); PubMed 12052859 (cited by Labcorp Genetics (formerly Invitae), Labcorp); PubMed 21802329 (cited by 3 submitters); PubMed 26169240 (cited by Labcorp Genetics (formerly Invitae), Labcorp and Myriad Genetics, Inc.); PubMed 27038030 (cited by Myriad Genetics, Inc.).